The following is an entry in ClinVar:

ClinVar aggregate classification (germline): Uncertain significance (1 of 4 stars; one submission).

Conditions:
Familial adenomatous polyposis 1 (FAP1). Also called: FAMILIAL ADENOMATOUS POLYPOSIS 1, ATTENUATED; POLYPOSIS, ADENOMATOUS INTESTINAL. Identifiers: MedGen C2713442, MONDO:0021056, OMIM 175100. Disease mechanism: loss of function.

Submission:

Labcorp Genetics (formerly Invitae), Labcorp
Classification: Uncertain significance for Familial adenomatous polyposis 1. Last evaluated: 2024-01-07. Review status: criteria provided, single submitter. Criteria: Invitae Variant Classification Sherloc (09022015). Collection method: clinical testing. Allele origin: germline.
Comment: This sequence change replaces alanine, which is neutral and non-polar, with glutamic acid, which is acidic and polar, at codon 703 of the APC protein (p.Ala703Glu). This variant is not present in population databases (gnomAD no frequency). This variant has not been reported in the literature in individuals affected with APC-related conditions. Advanced modeling of protein sequence and biophysical properties (such as structural, functional, and spatial information, amino acid conservation, physicochemical variation, residue mobility, and thermodynamic stability) performed at Invitae indicates that this missense variant is not expected to disrupt APC protein function with a negative predictive value of 95%. In summary, the available evidence is currently insufficient to determine the role of this variant in disease. Therefore, it has been classified as a Variant of Uncertain Significance.

NM_000038.6(APC):c.2108C>A (p.Ala703Glu)

Gene: APC (APC regulator of Wnt signaling pathway; plus strand). Cytogenetic location: 5q22.2.
Variant type: single nucleotide variant.
Coding change: c.2108C>A on transcript NM_000038.6 (MANE Select); coding-DNA position 2108, C replaced by A.
Protein change: p.Ala703Glu; replaces alanine 703 with glutamic acid.
Molecular consequence: missense variant. On other transcripts: non-coding transcript variant (2).
Genome position (GRCh38, 1-based): chr5:112,837,702, C>A. VCF-style: chr5-112837702-C-A. GRCh37 (hg19) VCF-style: chr5-112173399-C-A.
Other names: c.2108C>A, p.Ala703Glu (NM_001127510.3, NM_001354895.2, NM_001407450.1); c.2054C>A, p.Ala685Glu (NM_001127511.3); c.2162C>A, p.Ala721Glu (NM_001354896.2, NM_001407447.1, NM_001407448.1 and 1 more transcripts); c.2138C>A, p.Ala713Glu (NM_001354897.2); c.2033C>A, p.Ala678Glu (NM_001354898.2); c.2024C>A, p.Ala675Glu (NM_001354899.2); c.1985C>A, p.Ala662Glu (NM_001354900.2); c.1931C>A, p.Ala644Glu (NM_001354901.2, NM_001407453.1); and 11 more; short protein forms A319E, A543E, A612E, A662E, A693E, A703E, A574E, A577E.
Identifiers: ClinVar variation 2708126 (VCV002708126.3), dbSNP rs2149860757, ClinGen allele CA16025938.
Genomic context (GRCh38, chr5:112,837,702, plus strand): 5'-CTTTGTGGAATCTCTCAGCAAGAAATCCTAAAGACCAGGAAGCATTATGGGACATGGGGG[C>A]AGTTAGCATGCTCAAGAACCTCATTCATTCAAAGCACAAAATGATTGCTATGGGAAGTGC-3'
Protein context (NP_000029.2, residues 693-713): KDQEALWDMG[Ala703Glu]VSMLKNLIHS